The following is an entry in ClinVar:

ClinVar aggregate classification (germline): Likely pathogenic. Review status: criteria provided, single submitter (1 of 4 stars). 3 submissions from 2 submitters: Likely pathogenic (1). 2 of the submissions do not count toward it. Last evaluated 2025-10-02.

Conditions:
ECTODERMAL DYSPLASIA AND IMMUNODEFICIENCY 1, MALE-RESTRICTED.
Incontinentia pigmenti syndrome (IP). Also called: INCONTINENTIA PIGMENTI, FAMILIAL MALE-LETHAL TYPE; INCONTINENTIA PIGMENTI, TYPE II; BLOCH-SULZBERGER SYNDROME; Incontinentia Pigmenti. Identifiers: Orphanet 464, MedGen C0021171, MONDO:0010631, OMIM 308300.

Submissions (3):

GeneDx
Classification: Likely pathogenic. Last evaluated: 2025-10-02. Review status: criteria provided, single submitter. Criteria: GeneDx Variant Classification Process June 2021. Collection method: clinical testing. Allele origin: germline. Affected: yes.
Comment: Intronic +5 splice site variant in a gene for which loss-of-function is a known mechanism of disease, and splice predictors support a deleterious effect; Not observed at significant frequency in large population cohorts (gnomAD); This variant is associated with the following publications: (PMID: 27368913)

OMIM
Classification: Pathogenic for ECTODERMAL DYSPLASIA AND IMMUNODEFICIENCY 1, MALE-RESTRICTED. Last evaluated: 2024-07-18. Review status: no assertion criteria provided. Collection method: literature only. Allele origin: germline. Not counted in ClinVar's aggregate classification.

OMIM
Classification: Pathogenic for INCONTINENTIA PIGMENTI. Last evaluated: 2024-07-18. Review status: no assertion criteria provided. Collection method: literature only. Allele origin: germline. Not counted in ClinVar's aggregate classification.

Literature cited by the submitters: PubMed 27368913 (cited by OMIM).

NM_001099857.5(IKBKG):c.1117+5G>C

Gene: IKBKG (inhibitor of nuclear factor kappa B kinase regulatory subunit gamma; plus strand). Cytogenetic location: Xq28.
Variant type: single nucleotide variant.
Coding change: c.1117+5G>C on transcript NM_001099857.5 (MANE Select); 5 bases into the intron after coding-DNA position 1117, G replaced by C.
Molecular consequence: intron variant.
Genome position (GRCh38, 1-based): chrX:154,564,025, G>C. VCF-style: chrX-154564025-G-C. GRCh37 (hg19) VCF-style: chrX-153792240-G-C.
Other names: IVS8DS, G-C, +5; c.1117+5G>C (NM_001377312.1, NM_001321396.3, NM_003639.4); c.1114+5G>C (NM_001377313.1, NM_001321397.3); c.1321+5G>C (NM_001099856.6); c.820+5G>C (NM_001145255.4); c.961+5G>C (NM_001377314.1); c.748+5G>C (NM_001377315.1).
Identifiers: ClinVar variation 449462 (VCV000449462.7), dbSNP rs1557236796, ClinGen allele CA658659077.